The following is an entry in ClinVar:

ClinVar aggregate classification (germline): Pathogenic (1 of 4 stars; one submission).

Allele frequency attached by ClinVar (database versions not stated): ExAC 0.00001; gnomAD 0.00001; TOPMed 0.00001.
gnomAD v4.1: 10 of 1,613,908 alleles (0.00062%); highest among the groups gnomAD compares: South Asian, 0.0022%; no homozygotes.

Submission:

Labcorp Genetics (formerly Invitae), Labcorp
Classification: Pathogenic. Last evaluated: 2024-03-18. Review status: criteria provided, single submitter. Criteria: Invitae Variant Classification Sherloc (09022015). Collection method: clinical testing. Allele origin: germline.
Comment: This sequence change creates a premature translational stop signal (p.Arg858*) in the LAMC3 gene. It is expected to result in an absent or disrupted protein product. Loss-of-function variants in LAMC3 are known to be pathogenic (PMID: 21572413, 26802095). This variant is present in population databases (rs768306978, gnomAD 0.003%). This variant has not been reported in the literature in individuals affected with LAMC3-related conditions. ClinVar contains an entry for this variant (Variation ID: 2085890). For these reasons, this variant has been classified as Pathogenic.

Literature cited by the submitters: PubMed 21572413; PubMed 26802095.

NM_006059.4(LAMC3):c.2572C>T (p.Arg858Ter)

Gene: LAMC3 (laminin subunit gamma 3; plus strand). Cytogenetic location: 9q34.12.
Variant type: single nucleotide variant.
Coding change: c.2572C>T on transcript NM_006059.4 (MANE Select); coding-DNA position 2572, C replaced by T.
Protein change: p.Arg858Ter; replaces arginine 858 with a stop codon.
Molecular consequence: nonsense.
Genome position (GRCh38, 1-based): chr9:131,067,184, C>T. VCF-style: chr9-131067184-C-T. GRCh37 (hg19) VCF-style: chr9-133942571-C-T.
Other names: short protein forms R858*.
Identifiers: ClinVar variation 2085890 (VCV002085890.4), dbSNP rs768306978, ClinGen allele CA5287475.